The following is an entry in ClinVar:

NM_002485.5(NBN):c.585-1_585delinsC

Gene: NBN (nibrin; minus strand). Cytogenetic location: 8q21.3.
Variant type: Indel.
Coding change: c.585-1_585delinsC on transcript NM_002485.5 (MANE Select); the canonical splice acceptor site of the intron before coding-DNA position 585 through coding-DNA position 585, GT replaced by C.
Molecular consequence: splice acceptor variant.
Genome position (GRCh38, 1-based): chr8:89,971,290-89,971,291, AC replaced by G on the plus strand (GT replaced by C on the coding strand, the reverse complement: NBN is on the minus strand). VCF-style: chr8-89971290-AC-G. GRCh37 (hg19) VCF-style: chr8-90983518-AC-G.
Other names: c.339-1_339delinsC (NM_001024688.3); c.585-1_585delGTinsC (NM_002485.4).
Identifiers: ClinVar variation 187348 (VCV000187348.20), dbSNP rs786203662, ClinGen allele CA197421.

ClinVar aggregate classification (germline): Likely pathogenic. Review status: criteria provided, multiple submitters, no conflicts (2 of 4 stars). 4 submissions from 4 submitters: Likely pathogenic (4). Last evaluated 2025-09-30.

Conditions:
Hereditary cancer-predisposing syndrome. Also called: Neoplastic Syndromes, Hereditary; Tumor predisposition; Hereditary neoplastic syndrome; Hereditary Cancer Syndrome. Identifiers: Orphanet 140162, MedGen C0027672, MeSH D009386, MONDO:0015356.
Microcephaly, normal intelligence and immunodeficiency (NBS). Also called: Immunodeficiency, microcephaly with normal intelligence; IMMUNODEFICIENCY, MICROCEPHALY, AND CHROMOSOMAL INSTABILITY; Ataxia telangiectasia variant V1; Nijmegen breakage syndrome; Microcephaly with normal intelligence immunodeficiency and lymphoreticular malignancies; Nonsyndromal microcephaly autosomal recessive with normal intelligence. Identifiers: Orphanet 647, MedGen C0398791, MONDO:0009623, OMIM 251260.

Submissions (4):

Myriad Genetics, Inc.
Classification: Likely pathogenic for Microcephaly, normal intelligence and immunodeficiency. Last evaluated: 2025-09-30. Review status: criteria provided, single submitter. Criteria: Myriad Autosomal Dominant, Autosomal Recessive and X-Linked Classification Criteria (2023). Collection method: clinical testing. Allele origin: unknown.
Comment: NM_002485.4(NBN):c.585-1_585delGTinsC is a variant in a canonical splice site classified as likely pathogenic in the context of Nijmegen breakage syndrome. c.585-1_585delGTinsC has not been observed in cases with relevant disease. Relevant functional assessments of this variant are not available in the literature. c.585-1_585delGTinsC has not been observed in referenced population frequency databases. In summary, NM_002485.4(NBN):c.585-1_585delGTinsC is a variant in a canonical splice site in a gene where loss of function is a known mechanism of disease and is predicted to disrupt protein function. Please note: this variant was assessed in the context of healthy population screening.

Ambry Genetics
Classification: Likely pathogenic for Hereditary cancer-predisposing syndrome. Last evaluated: 2024-10-23. Review status: criteria provided, single submitter. Criteria: Ambry Variant Classification Scheme 2023. Collection method: clinical testing. Allele origin: germline.
Comment: The c.585-1_585delGTinsC variant results from a deletion of 2 nucleotides (GT) and insertion of a single nucleotide (C) at positions 585-1 and 585 and involves the canonical splice acceptor site before coding exon 6 of the NBN gene. Using the BDGP and ESEfinder splice site prediction tools, this alteration is expected to abolish the native splice acceptor site. RNA studies have demonstrated that this alteration results in abnormal splicing in the set of samples tested (Ambry internal data). Alterations that disrupt the canonical splice site are expected to cause aberrant splicing, resulting in an abnormal protein or a transcript that is subject to nonsense-mediated mRNA decay. As such, this alteration is classified as likely pathogenic.

Labcorp Genetics (formerly Invitae), Labcorp
Classification: Likely pathogenic for Microcephaly, normal intelligence and immunodeficiency. Last evaluated: 2023-02-27. Review status: criteria provided, single submitter. Criteria: Invitae Variant Classification Sherloc (09022015). Collection method: clinical testing. Allele origin: germline.
Comment: Studies have shown that disruption of this splice site results in skipping of exon 6 and introduces a premature termination codon (Invitae). The resulting mRNA is expected to undergo nonsense-mediated decay. In summary, the currently available evidence indicates that the variant is pathogenic, but additional data are needed to prove that conclusively. Therefore, this variant has been classified as Likely Pathogenic. ClinVar contains an entry for this variant (Variation ID: 1214172). This variant has not been reported in the literature in individuals affected with NBN-related conditions. This variant is not present in population databases (gnomAD no frequency). This sequence change affects an acceptor splice site in intron 5 of the NBN gene. RNA analysis indicates that disruption of this splice site induces altered splicing and may result in an absent or disrupted protein product.

GeneDx
Classification: Likely pathogenic. Last evaluated: 2021-11-10. Review status: criteria provided, single submitter. Criteria: GeneDx Variant Classification Process June 2021. Collection method: clinical testing. Allele origin: germline. Affected: yes.
Comment: Canonical splice site variant predicted to result in a null allele in a gene for which loss-of-function is a known mechanism of disease; Not observed at significant frequency in large population cohorts (Lek et al., 2016); Has not been previously published as pathogenic or benign to our knowledge